The following is an entry in ClinVar:

ClinVar aggregate classification (germline): Uncertain significance (1 of 4 stars; one submission).

Conditions:
DNA ligase IV deficiency. Identifiers: Orphanet 99812, MedGen C1847827, MONDO:0011686, OMIM 606593.

Allele frequency attached by ClinVar (database versions not stated): ExAC 0.00001.

Submission:

Labcorp Genetics (formerly Invitae), Labcorp
Classification: Uncertain significance for DNA ligase IV deficiency. Last evaluated: 2021-08-24. Review status: criteria provided, single submitter. Criteria: Invitae Variant Classification Sherloc (09022015). Collection method: clinical testing. Allele origin: germline.
Comment: This sequence change replaces leucine with valine at codon 70 of the LIG4 protein (p.Leu70Val). The leucine residue is highly conserved and there is a small physicochemical difference between leucine and valine. This variant is present in population databases (rs193107403, ExAC 0.006%). This variant has not been reported in the literature in individuals affected with LIG4-related conditions. Algorithms developed to predict the effect of missense changes on protein structure and function are either unavailable or do not agree on the potential impact of this missense change (SIFT: "Deleterious"; PolyPhen-2: "Probably Damaging"; Align-GVGD: "Class C0"). Algorithms developed to predict the effect of sequence changes on RNA splicing suggest that this variant may create or strengthen a splice site. In summary, the available evidence is currently insufficient to determine the role of this variant in disease. Therefore, it has been classified as a Variant of Uncertain Significance.

NM_206937.2(LIG4):c.208C>G (p.Leu70Val)

Gene: LIG4 (DNA ligase 4; minus strand). Cytogenetic location: 13q33.3.
Variant type: single nucleotide variant.
Coding change: c.208C>G on transcript NM_206937.2 (MANE Select); coding-DNA position 208, C replaced by G.
Protein change: p.Leu70Val; replaces leucine 70 with valine.
Molecular consequence: missense variant.
Genome position (GRCh38, 1-based): chr13:108,211,061, G>C on the plus strand (C>G on the coding strand, the complement: LIG4 is on the minus strand). VCF-style: chr13-108211061-G-C. GRCh37 (hg19) VCF-style: chr13-108863409-G-C.
Other names: c.208C>G, p.Leu70Val (NM_001098268.2, NM_001352598.2, NM_001352599.2 and 6 more transcripts); c.7C>G, p.Leu3Val (NM_001330595.2); c.244C>G, p.Leu82Val (NM_001352604.2); short protein forms L70V, L3V, L82V.
Identifiers: ClinVar variation 576684 (VCV000576684.6), dbSNP rs193107403, ClinGen allele CA7043871.